The following is an entry in ClinVar:

NM_000709.4(BCKDHA):c.173C>T (p.Ser58Leu)

Gene: BCKDHA (branched chain keto acid dehydrogenase E1 subunit alpha; plus strand). Cytogenetic location: 19q13.2.
Variant type: single nucleotide variant.
Coding change: c.173C>T on transcript NM_000709.4 (MANE Select); coding-DNA position 173, C replaced by T.
Protein change: p.Ser58Leu; replaces serine 58 with leucine.
Molecular consequence: missense variant.
Genome position (GRCh38, 1-based): chr19:41,410,701, C>T. VCF-style: chr19-41410701-C-T. GRCh37 (hg19) VCF-style: chr19-41916606-C-T.
Other names: c.173C>T, p.Ser58Leu (NM_001164783.2); short protein forms S58L.
Identifiers: ClinVar variation 2064377 (VCV002064377.1), dbSNP rs954168651, ClinGen allele CA308515239.

ClinVar aggregate classification (germline): Uncertain significance (1 of 4 stars; one submission).

Conditions:
Maple syrup urine disease (MSUD). Identifiers: Orphanet 511, MedGen C0024776, MeSH D008375, MONDO:0009563. Disease mechanism: loss of function.

Allele frequency attached by ClinVar (database versions not stated): gnomAD 0.00001; gnomAD exomes 0.00001; TOPMed 0.00001.
gnomAD v4.1: 18 of 1,614,066 alleles (0.0011%); highest among the groups gnomAD compares: East Asian, 0.0067%; no homozygotes.

Submission:

Labcorp Genetics (formerly Invitae), Labcorp
Classification: Uncertain significance for Maple syrup urine disease. Last evaluated: 2021-05-05. Review status: criteria provided, single submitter. Criteria: Invitae Variant Classification Sherloc (09022015). Collection method: clinical testing. Allele origin: germline.
Comment: This sequence change replaces serine with leucine at codon 58 of the BCKDHA protein (p.Ser58Leu). The serine residue is highly conserved and there is a large physicochemical difference between serine and leucine. This variant is not present in population databases (ExAC no frequency). This variant has not been reported in the literature in individuals with BCKDHA-related disease. Algorithms developed to predict the effect of missense changes on protein structure and function do not agree on the potential impact of this missense change (SIFT: "Tolerated"; PolyPhen-2: "Benign"; Align-GVGD: "Class C0"). In summary, the available evidence is currently insufficient to determine the role of this variant in disease. Therefore, it has been classified as a Variant of Uncertain Significance.